The following is an entry in ClinVar:

ClinVar aggregate classification (germline): Uncertain significance (1 of 4 stars; one submission).

Conditions:
Cardiovascular phenotype. Identifiers: MedGen CN230736.

Allele frequency attached by ClinVar (database versions not stated): TOPMed below 0.00001.

Submission:

Ambry Genetics
Classification: Uncertain significance for Cardiovascular phenotype. Last evaluated: 2020-07-08. Review status: criteria provided, single submitter. Criteria: Ambry Variant Classification Scheme 2023. Collection method: clinical testing. Allele origin: germline.
Comment: The p.M18380L variant (also known as c.55138A>C), located in coding exon 153 of the TTN gene, results from an A to C substitution at nucleotide position 55138. The methionine at codon 18380 is replaced by leucine, an amino acid with highly similar properties. This amino acid position is well conserved in available vertebrate species. In addition, this alteration is predicted to be tolerated by in silico analysis. Since supporting evidence is limited at this time, the clinical significance of this alteration remains unclear.

NM_001267550.2(TTN):c.82333A>C (p.Met27445Leu)

Genes: TTN (titin; minus strand), TTN-AS1 (TTN antisense RNA 1; plus strand). Cytogenetic location: 2q31.2.
Variant type: single nucleotide variant.
Coding change: c.82333A>C on transcript NM_001267550.2 (MANE Select); coding-DNA position 82333, A replaced by C.
Protein change: p.Met27445Leu; replaces methionine 27445 with leucine.
Molecular consequence: missense variant.
Genome position (GRCh38, 1-based): chr2:178,563,799, T>G on the plus strand (A>C on the coding strand, the complement: TTN is on the minus strand). VCF-style: chr2-178563799-T-G. GRCh37 (hg19) VCF-style: chr2-179428526-T-G.
Other names: c.77410A>C, p.Met25804Leu (NM_001256850.1); c.55138A>C, p.Met18380Leu (NM_003319.4); c.74629A>C, p.Met24877Leu (NM_133378.4); c.55513A>C, p.Met18505Leu (NM_133432.3); c.55714A>C, p.Met18572Leu (NM_133437.4); short protein forms M24877L, M27445L, M18380L, M18505L, M18572L, M25804L.
Identifiers: ClinVar variation 1748049 (VCV001748049.2), dbSNP rs942521401, ClinGen allele CA60987110.
Genomic context (GRCh38, chr2:178,563,799, plus strand): 5'-TACAGGCCGTAACAGGCCCAGATTCCAAGGGCTCTCCAATTCCATATTTATTCACAGCCA[T>G]GACACGGAAAATGTACTCATTACCAGGAAGAAGTTTAGTAACTTTGTAGTTAAGGGCCTG-3'
Protein context (NP_001254479.2, residues 27435-27455): LPGNEYIFRV[Met27445Leu]AVNKYGIGEP